The following is an entry in ClinVar:

NM_001382391.1(CSPP1):c.1138A>G (p.Arg380Gly)

Gene: CSPP1 (centrosome and spindle pole associated protein 1; plus strand). Cytogenetic location: 8q13.2.
Variant type: single nucleotide variant.
Coding change: c.1138A>G on transcript NM_001382391.1 (MANE Select); coding-DNA position 1138, A replaced by G.
Protein change: p.Arg380Gly; replaces arginine 380 with glycine.
Molecular consequence: missense variant.
Genome position (GRCh38, 1-based): chr8:67,112,016, A>G. VCF-style: chr8-67112016-A-G. GRCh37 (hg19) VCF-style: chr8-68024251-A-G.
Other names: c.283A>G, p.Arg95Gly (NM_001291339.2); c.1057A>G, p.Arg353Gly (NM_001363131.2, NM_001363133.2); c.1138A>G, p.Arg380Gly (NM_001363132.2); c.1246A>G, p.Arg416Gly (NM_001364869.1); c.1066A>G, p.Arg356Gly (NM_001364870.1); c.1165A>G, p.Arg389Gly (NM_024790.7); short protein forms R353G, R356G, R380G, R389G, R416G, R95G.
Identifiers: ClinVar variation 1004267 (VCV001004267.8), dbSNP rs1816951976, ClinGen allele CA371196683.
Genomic context (GRCh38, chr8:67,112,016, plus strand): 5'-TCATACCACTATCTAGGAGGTGAAGATCGAGAACTTATTCAGAGAAGGAAAGAGAAATAC[A>G]GACTAGAACTGTTGGAACAAATGGCTGAGCAACAGAGGAACAAGAGACGGTAATGAAAGG-3'
Protein context (NP_001369320.1, residues 370-390): ELIQRRKEKY[Arg380Gly]LELLEQMAEQ

ClinVar aggregate classification (germline): Uncertain significance (1 of 4 stars; one submission).

Conditions:
Joubert syndrome 21 (JBTS21). Identifiers: MedGen C3810212, MONDO:0014288, OMIM 615636.

Submission:

Labcorp Genetics (formerly Invitae), Labcorp
Classification: Uncertain significance for Joubert syndrome 21. Last evaluated: 2022-07-26. Review status: criteria provided, single submitter. Criteria: Invitae Variant Classification Sherloc (09022015). Collection method: clinical testing. Allele origin: germline.
Comment: In summary, the available evidence is currently insufficient to determine the role of this variant in disease. Therefore, it has been classified as a Variant of Uncertain Significance. Algorithms developed to predict the effect of missense changes on protein structure and function (SIFT, PolyPhen-2, Align-GVGD) all suggest that this variant is likely to be disruptive. ClinVar contains an entry for this variant (Variation ID: 1004267). This variant has not been reported in the literature in individuals affected with CSPP1-related conditions. This variant is not present in population databases (gnomAD no frequency). This sequence change replaces arginine, which is basic and polar, with glycine, which is neutral and non-polar, at codon 389 of the CSPP1 protein (p.Arg389Gly).